The following is an entry in ClinVar:

ClinVar aggregate classification (germline): Uncertain significance. Review status: criteria provided, single submitter (1 of 4 stars). 2 submissions from 2 submitters: Uncertain significance (1). 1 of the submissions does not count toward it. Last evaluated 2021-09-28.

Conditions:
Costello syndrome (CSTLO). Also called: FCS SYNDROME; HRAS-Related Costello Syndrome; FACIOCUTANEOSKELETAL SYNDROME. Identifiers: Orphanet 3071, MedGen C0587248, MONDO:0009026, OMIM 218040.
Noonan syndrome (NS). Also called: Noonan's syndrome. Identifiers: Orphanet 648, MedGen C0028326, MeSH D009634, MONDO:0018997. Disease mechanism: gain of function.

gnomAD v4.1: 2 of 1,613,828 alleles (0.00012%); highest among the groups gnomAD compares: Non-Finnish European, 0.00017%; no homozygotes.

Submissions (2):

Labcorp Genetics (formerly Invitae), Labcorp
Classification: Uncertain significance for Costello syndrome. Last evaluated: 2021-09-28. Review status: criteria provided, single submitter. Criteria: Invitae Variant Classification Sherloc (09022015). Collection method: clinical testing. Allele origin: germline.
Comment: In summary, the available evidence is currently insufficient to determine the role of this variant in disease. Therefore, it has been classified as a Variant of Uncertain Significance. Advanced modeling of protein sequence and biophysical properties (such as structural, functional, and spatial information, amino acid conservation, physicochemical variation, residue mobility, and thermodynamic stability) performed at Invitae indicates that this missense variant is expected to disrupt HRAS protein function. ClinVar contains an entry for this variant (Variation ID: 981547). This variant has not been reported in the literature in individuals affected with HRAS-related conditions. This variant is not present in population databases (ExAC no frequency). This sequence change replaces valine with alanine at codon 125 of the HRAS protein (p.Val125Ala). The valine residue is highly conserved and there is a small physicochemical difference between valine and alanine.

Service de Génétique Moléculaire, Hôpital Robert Debré
Classification: Uncertain significance for Noonan syndrome. Review status: no assertion criteria provided. Collection method: clinical testing. Allele origin: unknown. Affected: yes. Not counted in ClinVar's aggregate classification.

NM_005343.4(HRAS):c.374T>C (p.Val125Ala)

Genes: HRAS (HRas proto-oncogene, GTPase; minus strand), LRRC56 (leucine rich repeat containing 56; plus strand). Cytogenetic location: 11p15.5.
Variant type: single nucleotide variant.
Coding change: c.374T>C on transcript NM_005343.4 (MANE Select); coding-DNA position 374, T replaced by C.
Protein change: p.Val125Ala; replaces valine 125 with alanine.
Molecular consequence: missense variant.
Genome position (GRCh38, 1-based): chr11:533,529, A>G on the plus strand (T>C on the coding strand, the complement: HRAS is on the minus strand). VCF-style: chr11-533529-A-G. GRCh37 (hg19) VCF-style: chr11-533529-A-G.
Other names: c.374T>C, p.Val125Ala (NM_001130442.3, NM_176795.5); c.55T>C, p.Trp19Arg (NM_001318054.2); short protein forms V125A, W19R.
Identifiers: ClinVar variation 981547 (VCV000981547.7), dbSNP rs981155119, ClinGen allele CA378923263.